The following is an entry in ClinVar:

NM_001080517.3(SETD5):c.706C>G (p.His236Asp)

Gene: SETD5 (SET domain containing 5; plus strand). Cytogenetic location: 3p25.3.
Variant type: single nucleotide variant.
Coding change: c.706C>G on transcript NM_001080517.3 (MANE Select); coding-DNA position 706, C replaced by G.
Protein change: p.His236Asp; replaces histidine 236 with aspartic acid.
Molecular consequence: missense variant.
Genome position (GRCh38, 1-based): chr3:9,440,594, C>G. VCF-style: chr3-9440594-C-G. GRCh37 (hg19) VCF-style: chr3-9482278-C-G.
Other names: c.412C>G, p.His138Asp (NM_001292043.2, NM_001349451.2); short protein forms H138D, H236D.
Identifiers: ClinVar variation 3667187 (VCV003667187.2).

ClinVar aggregate classification (germline): Uncertain significance (1 of 4 stars; one submission).

Submission:

Labcorp Genetics (formerly Invitae), Labcorp
Classification: Uncertain significance. Last evaluated: 2025-01-25. Review status: criteria provided, single submitter. Criteria: Invitae Variant Classification Sherloc (09022015). Collection method: clinical testing. Allele origin: germline.
Comment: This sequence change replaces histidine, which is basic and polar, with aspartic acid, which is acidic and polar, at codon 236 of the SETD5 protein (p.His236Asp). This variant is not present in population databases (gnomAD no frequency). This variant has not been reported in the literature in individuals affected with SETD5-related conditions. Invitae Evidence Modeling of protein sequence and biophysical properties (such as structural, functional, and spatial information, amino acid conservation, physicochemical variation, residue mobility, and thermodynamic stability) indicates that this missense variant is not expected to disrupt SETD5 protein function with a negative predictive value of 80%. In summary, the available evidence is currently insufficient to determine the role of this variant in disease. Therefore, it has been classified as a Variant of Uncertain Significance.